The following is an entry in ClinVar:

NM_032119.4(ADGRV1):c.12775del (p.Val4259fs)

Gene: ADGRV1 (adhesion G protein-coupled receptor V1; plus strand). Cytogenetic location: 5q14.3.
Variant type: Deletion.
Coding change: c.12775del on transcript NM_032119.4 (MANE Select); coding-DNA position 12775, one base deleted (G; older notation c.12775delG).
Protein change: p.Val4259fs; shifts the reading frame from valine 4259.
Molecular consequence: frameshift variant. On other transcripts: non-coding transcript variant (1).
Genome position (GRCh38, 1-based): chr5:90,778,535, G deleted; the last of 2 consecutive G bases (chr5:90,778,534-90,778,535); deleting either gives the same sequence. VCF-style (leftmost placement, unchanged base first): chr5-90778533-CG-C. GRCh37 (hg19) VCF-style: chr5-90074350-CG-C.
Other names: c.12775delG (NM_032119.3); short protein forms V4259fs.
Identifiers: ClinVar variation 1396073 (VCV001396073.7), dbSNP rs919358859, ClinGen allele CA122804090.

ClinVar aggregate classification (germline): Pathogenic/Likely pathogenic. Review status: criteria provided, multiple submitters, no conflicts (2 of 4 stars). 2 submissions from 2 submitters: Pathogenic (1); Likely pathogenic (1). Last evaluated 2025-10-18.

Conditions:
ADGRV1-related disorder. Also called: ADGRV1-related disorders; ADGRV1-related condition.

Submissions (2):

Labcorp Genetics (formerly Invitae), Labcorp
Classification: Pathogenic. Last evaluated: 2025-10-18. Review status: criteria provided, single submitter. Criteria: Invitae Variant Classification Sherloc (09022015). Collection method: clinical testing. Allele origin: germline.
Comment: This sequence change creates a premature translational stop signal (p.Val4259Trpfs*47) in the ADGRV1 gene. It is expected to result in an absent or disrupted protein product. Loss-of-function variants in ADGRV1 are known to be pathogenic (PMID: 19357117, 22135276, 22147658, 26226137, 30718709, 31047384, 32467589). This variant is not present in population databases (gnomAD no frequency). This variant has not been reported in the literature in individuals affected with ADGRV1-related conditions. ClinVar contains an entry for this variant (Variation ID: 1396073). For these reasons, this variant has been classified as Pathogenic.

PreventionGenetics, part of Exact Sciences
Classification: Likely pathogenic for ADGRV1-related condition. Last evaluated: 2025-10-09. Review status: criteria provided, single submitter. Criteria: ACMG Guidelines, 2015. Collection method: clinical testing. Allele origin: germline.
Comment: The ADGRV1 c.12775delG variant is predicted to result in a frameshift and premature protein termination (p.Val4259Trpfs*47). To our knowledge, this variant has not been reported in the literature or in a large population database (gnomAD), indicating this variant is rare. Frameshift variants in ADGRV1 are expected to be pathogenic. This variant is interpreted as likely pathogenic.

Literature cited by the submitters: PubMed 19357117 (cited by Labcorp Genetics (formerly Invitae), Labcorp); PubMed 22135276 (cited by Labcorp Genetics (formerly Invitae), Labcorp); PubMed 22147658 (cited by Labcorp Genetics (formerly Invitae), Labcorp); PubMed 26226137 (cited by Labcorp Genetics (formerly Invitae), Labcorp); PubMed 30718709 (cited by Labcorp Genetics (formerly Invitae), Labcorp); PubMed 31047384 (cited by Labcorp Genetics (formerly Invitae), Labcorp); PubMed 32467589 (cited by Labcorp Genetics (formerly Invitae), Labcorp).